The following is an entry in ClinVar:

NM_174934.4(SCN4B):c.346A>G (p.Ile116Val)

Genes: SCN4B (sodium voltage-gated channel beta subunit 4; minus strand), LOC126861356 (BRD4-independent group 4 enhancer GRCh37_chr11:118014519-118015718; plus strand). Cytogenetic location: 11q23.3.
Variant type: single nucleotide variant.
Coding change: c.346A>G on transcript NM_174934.4 (MANE Select); coding-DNA position 346, A replaced by G.
Protein change: p.Ile116Val; replaces isoleucine 116 with valine.
Molecular consequence: missense variant. On other transcripts: intron variant (1).
Genome position (GRCh38, 1-based): chr11:118,143,950, T>C on the plus strand (A>G on the coding strand, the complement: SCN4B is on the minus strand). VCF-style: chr11-118143950-T-C. GRCh37 (hg19) VCF-style: chr11-118014665-T-C.
Other names: c.16A>G, p.Ile6Val (NM_001142349.2); c.62-2614A>G (NM_001142348.2); short protein forms I116V, I6V.
Identifiers: ClinVar variation 4700193 (VCV004700193.2).

ClinVar aggregate classification (germline): Uncertain significance. Review status: criteria provided, multiple submitters, no conflicts (2 of 4 stars). 2 submissions from 2 submitters: Uncertain significance (2). Last evaluated 2026-05-20.

Conditions:
Long QT syndrome 10 (LQT10). Identifiers: Orphanet 101016, Orphanet 768, MedGen C2678484, MONDO:0012737, OMIM 611819.
Cardiovascular phenotype. Identifiers: MedGen CN230736.

gnomAD v4.1: 7 of 1,613,992 alleles (0.00043%); highest among the groups gnomAD compares: Non-Finnish European, 0.00042%; no homozygotes.

Submissions (2):

Ambry Genetics
Classification: Uncertain significance for Cardiovascular phenotype. Last evaluated: 2026-05-20. Review status: criteria provided, single submitter. Criteria: Ambry Variant Classification Scheme 2023. Collection method: clinical testing. Allele origin: germline.
Comment: The p.I116V variant (also known as c.346A>G), located in coding exon 3 of the SCN4B gene, results from an A to G substitution at nucleotide position 346. The isoleucine at codon 116 is replaced by valine, an amino acid with highly similar properties. This amino acid position is conserved. In addition, the in silico prediction for this alteration is inconclusive. Based on the available evidence, the clinical significance of this variant remains unclear.

Labcorp Genetics (formerly Invitae), Labcorp
Classification: Uncertain significance for Long QT syndrome 10. Last evaluated: 2025-11-12. Review status: criteria provided, single submitter. Criteria: Invitae Variant Classification Sherloc (09022015). Collection method: clinical testing. Allele origin: germline.
Comment: This sequence change replaces isoleucine, which is neutral and non-polar, with valine, which is neutral and non-polar, at codon 116 of the SCN4B protein (p.Ile116Val). This variant is present in population databases (rs754308090, gnomAD 0.0009%). This variant has not been reported in the literature in individuals affected with SCN4B-related conditions. An algorithm developed to predict the effect of missense changes on protein structure and function (PolyPhen-2) suggests that this variant is likely to be disruptive. In summary, the available evidence is currently insufficient to determine the role of this variant in disease. Therefore, it has been classified as a Variant of Uncertain Significance.